The following is an entry in ClinVar:

NM_001931.5(DLAT):c.342del (p.Glu115fs)

Gene: DLAT (dihydrolipoamide S-acetyltransferase; plus strand). Cytogenetic location: 11q23.1.
Variant type: Deletion.
Coding change: c.342del on transcript NM_001931.5 (MANE Select); coding-DNA position 342, one base deleted (A; older notation c.342delA).
Protein change: p.Glu115fs; shifts the reading frame from glutamic acid 115.
Molecular consequence: frameshift variant. On other transcripts: 5 prime UTR variant (1), non-coding transcript variant (1), intron variant (1).
Genome position (GRCh38, 1-based): chr11:112,026,260, A deleted; the last of 8 consecutive A bases (chr11:112,026,253-112,026,260); deleting any one gives the same sequence. VCF-style (leftmost placement, unchanged base first): chr11-112026252-GA-G. GRCh37 (hg19) VCF-style: chr11-111896976-GA-G.
Other names: c.342del, p.Glu115fs (NM_001372031.1, NM_001372032.1, NM_001372033.1 and 5 more transcripts); c.309del, p.Glu104fs (NM_001372034.1); c.174del, p.Glu59fs (NM_001372037.1); c.-125del (NM_001372042.1); c.239-23del (NM_001372036.1); short protein forms E104fs, E115fs, E59fs.
Identifiers: ClinVar variation 4821252 (VCV004821252.4).

ClinVar aggregate classification (germline): Uncertain significance (1 of 4 stars; one submission).

Submission:

CeGaT Center for Human Genetics Tuebingen
Classification: Uncertain significance. Last evaluated: 2026-02-01. Review status: criteria provided, single submitter. Criteria: CeGaT Center For Human Genetics Tuebingen Variant Classification Criteria Version 2. Collection method: clinical testing. Allele origin: germline. Affected: yes. Observed: 1 variant allele.
Comment: DLAT: PM2, PVS1:Moderate